The following is an entry in ClinVar:

NM_016247.4(IMPG2):c.1552A>G (p.Asn518Asp)

Gene: IMPG2 (interphotoreceptor matrix proteoglycan 2; minus strand). Cytogenetic location: 3q12.3.
Variant type: single nucleotide variant.
Coding change: c.1552A>G on transcript NM_016247.4 (MANE Select); coding-DNA position 1552, A replaced by G.
Protein change: p.Asn518Asp; replaces asparagine 518 with aspartic acid.
Molecular consequence: missense variant.
Genome position (GRCh38, 1-based): chr3:101,244,779, T>C on the plus strand (A>G on the coding strand, the complement: IMPG2 is on the minus strand). VCF-style: chr3-101244779-T-C. GRCh37 (hg19) VCF-style: chr3-100963623-T-C.
Other names: c.1552A>G (NM_016247.3); short protein forms N518D.
Identifiers: ClinVar variation 1006908 (VCV001006908.7), dbSNP rs369985289, ClinGen allele CA2519132.

ClinVar aggregate classification (germline): Uncertain significance. Review status: criteria provided, multiple submitters, no conflicts (2 of 4 stars). 2 submissions from 2 submitters: Uncertain significance (2). Last evaluated 2025-07-10.

Conditions:
Inborn genetic diseases. Identifiers: MedGen C0950123, MeSH D030342.

Allele frequency attached by ClinVar (database versions not stated): gnomAD 0.00002; gnomAD exomes 0.00005 and 0.00012; ESP Exome Variant Server 0.00008; TOPMed 0.00008; ExAC 0.00017.
gnomAD v4.1: 76 of 1,613,250 alleles (0.0047%); highest among the groups gnomAD compares: Admixed American, 0.037%; no homozygotes.

Submissions (2):

Labcorp Genetics (formerly Invitae), Labcorp
Classification: Uncertain significance. Last evaluated: 2025-07-10. Review status: criteria provided, single submitter. Criteria: Invitae Variant Classification Sherloc (09022015). Collection method: clinical testing. Allele origin: germline.
Comment: This sequence change replaces asparagine, which is neutral and polar, with aspartic acid, which is acidic and polar, at codon 518 of the IMPG2 protein (p.Asn518Asp). This variant is present in population databases (rs369985289, gnomAD 0.05%). This variant has not been reported in the literature in individuals affected with IMPG2-related conditions. ClinVar contains an entry for this variant (Variation ID: 1006908). Invitae Evidence Modeling of protein sequence and biophysical properties (such as structural, functional, and spatial information, amino acid conservation, physicochemical variation, residue mobility, and thermodynamic stability) indicates that this missense variant is not expected to disrupt IMPG2 protein function with a negative predictive value of 80%. In summary, the available evidence is currently insufficient to determine the role of this variant in disease. Therefore, it has been classified as a Variant of Uncertain Significance.

Ambry Genetics
Classification: Uncertain significance for Inborn genetic diseases. Last evaluated: 2022-10-04. Review status: criteria provided, single submitter. Criteria: Ambry Variant Classification Scheme 2023. Collection method: clinical testing. Allele origin: germline.